The following is an entry in ClinVar:

ClinVar aggregate classification (germline): Likely benign. Review status: criteria provided, multiple submitters, no conflicts (2 of 4 stars). 5 submissions from 5 submitters: Likely benign (5). Last evaluated 2024-09-01.

Conditions:
Hereditary cancer-predisposing syndrome. Also called: Tumor predisposition; Hereditary Cancer Syndrome; Hereditary neoplastic syndrome; Neoplastic Syndromes, Hereditary. Identifiers: Orphanet 140162, MedGen C0027672, MeSH D009386, MONDO:0015356.
Hereditary breast ovarian cancer syndrome. Also called: Hereditary breast and ovarian cancer; Hereditary breast and ovarian cancer syndrome; Hereditary breast and/or ovarian cancer syndrome; Hereditary breast and ovarian cancer syndrome (HBOC); BRCA1- and BRCA2-Associated Hereditary Breast and Ovarian Cancer; Breast and ovarian cancer. Identifiers: Orphanet 145, MedGen C0677776, MeSH D061325, MONDO:0003582. Disease mechanism: loss of function.

Submissions (5):

CeGaT Center for Human Genetics Tuebingen
Classification: Likely benign. Last evaluated: 2024-09-01. Review status: criteria provided, single submitter. Criteria: CeGaT Center For Human Genetics Tuebingen Variant Classification Criteria Version 2. Collection method: clinical testing. Allele origin: germline. Affected: yes. Observed: 1 variant allele.
Comment: BRCA2: PM2:Supporting, BP4, BP7

Labcorp Genetics (formerly Invitae), Labcorp
Classification: Likely benign for Hereditary breast ovarian cancer syndrome. Last evaluated: 2024-02-22. Review status: criteria provided, single submitter. Criteria: Invitae Variant Classification Sherloc (09022015). Collection method: clinical testing. Allele origin: germline.

Color Diagnostics, LLC DBA Color Health
Classification: Likely benign for Hereditary cancer-predisposing syndrome. Last evaluated: 2020-01-23. Review status: criteria provided, single submitter. Criteria: ACMG Guidelines, 2015. Collection method: clinical testing. Allele origin: germline.

Women's Health and Genetics/Laboratory Corporation of America, LabCorp
Classification: Likely benign. Last evaluated: 2019-08-21. Review status: criteria provided, single submitter. Criteria: LabCorp Variant Classification Summary - May 2015. Collection method: clinical testing. Allele origin: germline.

GeneDx
Classification: Likely benign. Last evaluated: 2016-08-06. Review status: criteria provided, single submitter. Criteria: GeneDx Variant Classification (06012015). Collection method: clinical testing. Allele origin: germline. Affected: yes.
Comment: This variant is considered likely benign or benign based on one or more of the following criteria: it is a conservative change, it occurs at a poorly conserved position in the protein, it is predicted to be benign by multiple in silico algorithms, and/or has population frequency not consistent with disease.

NM_000059.4(BRCA2):c.4077T>C (p.Thr1359=)

Gene: BRCA2 (BRCA2 DNA repair associated; plus strand). Cytogenetic location: 13q13.1.
Variant type: single nucleotide variant.
Coding change: c.4077T>C on transcript NM_000059.4 (MANE Select); coding-DNA position 4077, T replaced by C.
Protein change: p.Thr1359=; no amino-acid change (threonine 1359 retained).
Molecular consequence: synonymous variant.
Genome position (GRCh38, 1-based): chr13:32,338,432, T>C. VCF-style: chr13-32338432-T-C. GRCh37 (hg19) VCF-style: chr13-32912569-T-C.
Identifiers: ClinVar variation 381226 (VCV000381226.28), dbSNP rs1057520979, ClinGen allele CA16607465.